The following is an entry in ClinVar:

NM_015662.3(IFT172):c.1295G>A (p.Arg432His)

Gene: IFT172 (intraflagellar transport 172; minus strand). Cytogenetic location: 2p23.3.
Variant type: single nucleotide variant.
Coding change: c.1295G>A on transcript NM_015662.3 (MANE Select); coding-DNA position 1295, G replaced by A.
Protein change: p.Arg432His; replaces arginine 432 with histidine.
Molecular consequence: missense variant.
Genome position (GRCh38, 1-based): chr2:27,477,247, C>T on the plus strand (G>A on the coding strand, the complement: IFT172 is on the minus strand). VCF-style: chr2-27477247-C-T. GRCh37 (hg19) VCF-style: chr2-27700114-C-T.
Other names: short protein forms R432H.
Identifiers: ClinVar variation 988120 (VCV000988120.3), dbSNP rs1327376049, ClinGen allele CA346393511.

ClinVar aggregate classification (germline): Uncertain significance. Review status: criteria provided, multiple submitters, no conflicts (2 of 4 stars). 3 submissions from 3 submitters: Uncertain significance (2). 1 of the submissions does not count toward it. Last evaluated 2022-09-28.

Conditions:
Nephronophthisis. Also called: Juvenile Nephronophthisis. Identifiers: Orphanet 655, MedGen C0687120, MONDO:0019005, HP:0000090.
Retinitis pigmentosa 71 (RP71). Identifiers: Orphanet 791, MedGen C4225342, MONDO:0014618, OMIM 616394.
Short-rib thoracic dysplasia 10 with or without polydactyly (SRTD10). Identifiers: Orphanet 474, MedGen C3810175, MONDO:0014284, OMIM 615630.
Bardet-Biedl syndrome 20. Identifiers: MedGen C4310707, MONDO:0023670, OMIM 619471, MONDO:0014926.

Allele frequency attached by ClinVar (database versions not stated): gnomAD 0.00001; TOPMed 0.00001.
gnomAD v4.1: 4 of 1,613,940 alleles (0.00025%); highest among the groups gnomAD compares: Admixed American, 0.0017%; no homozygotes.

Submissions (3):

Blueprint Genetics
Classification: Uncertain significance. Last evaluated: 2022-09-28. Review status: criteria provided, single submitter. Criteria: ACMG Guidelines, 2015. Collection method: clinical testing. Allele origin: germline.

Fulgent Genetics
Classification: Uncertain significance for Short-rib thoracic dysplasia 10 with or without polydactyly; Retinitis pigmentosa 71; Bardet-Biedl syndrome 20. Last evaluated: 2022-04-20. Review status: criteria provided, single submitter. Criteria: ACMG Guidelines, 2015. Collection method: clinical testing. Allele origin: unknown.

Sydney Genome Diagnostics, Children's Hospital Westmead
Classification: Uncertain significance for Nephronophthisis. Last evaluated: 2019-03-01. Review status: no assertion criteria provided. Collection method: clinical testing. Allele origin: unknown. Affected: yes. Observed: 1 variant allele, 1 compound heterozygote. Not counted in ClinVar's aggregate classification.
Comment: This variant has been reported in the gnomAD browser with a very low allele frequency of 0.0004% (1 out of 251,450 alleles). To our knowledge, this variant has not been previously reported in the literature or any disease specific databases to be a disease causing variant. In silico analysis of pathogenicity (through Alamut Visual v2.8.1) using PolyPhen2 and SIFT both predict this variant to be a likely pathogenic variant. However, this analysis alone cannot be used to confirm pathogenicity. This variant is considered to be a variant of uncertain clinical significance (VOUS) according to the ACMG guidelines (Evidence used: PM2, PP3).